The following is an entry in ClinVar:

NM_007294.4(BRCA1):c.71G>C (p.Cys24Ser)

Gene: BRCA1 (BRCA1 DNA repair associated; minus strand). Cytogenetic location: 17q21.31.
Variant type: single nucleotide variant.
Coding change: c.71G>C on transcript NM_007294.4 (MANE Select); coding-DNA position 71, G replaced by C.
Protein change: p.Cys24Ser; replaces cysteine 24 with serine.
Molecular consequence: missense variant. On other transcripts: 5 prime UTR variant (1), non-coding transcript variant (1).
Genome position (GRCh38, 1-based): chr17:43,124,026, C>G on the plus strand (G>C on the coding strand, the complement: BRCA1 is on the minus strand). VCF-style: chr17-43124026-C-G. GRCh37 (hg19) VCF-style: chr17-41276043-C-G.
Other names: NP_009225.1:p.Cys24Ser; c.71G>C, p.Cys24Ser (NM_001407625.1, NM_001407626.1, NM_001407627.1 and 193 more transcripts); c.-187G>C (NM_001407694.1, NM_001407724.1, NM_001407727.1 and 11 more transcripts); c.-191G>C (NM_001407695.1, NM_001408465.1); c.-332G>C (NM_001407696.1); c.-216G>C (NM_001407697.1, NM_001407846.1, NM_001407920.1); c.-17G>C (NM_001407698.1, NM_001407732.1, NM_001407736.1 and 23 more transcripts); c.-190G>C (NM_001407725.1, NM_001407730.1, NM_001407734.1 and 22 more transcripts); and 9 more; short protein forms C24S.
Identifiers: ClinVar variation 868780 (VCV000868780.18), dbSNP rs80357198, ClinGen allele CA10602015.
Genomic context (GRCh38, chr17:43,124,026, plus strand): 5'-TAGGAGATAATCATAGGAATCCCAAATTAATACACTCTTGTGCTGACTTACCAGATGGGA[C>G]ACTCTAAGATTTTCTGCATAGCATTAATGACATTTTGTACTTCTTCAACGCGAAGAGCAG-3'
Protein context (NP_009225.1, residues 14-34): VINAMQKILE[Cys24Ser]PICLELIKEP

ClinVar aggregate classification (germline): Likely pathogenic (1 of 4 stars; one submission).

Conditions:
Hereditary breast ovarian cancer syndrome. Also called: Hereditary breast and ovarian cancer; Hereditary breast and ovarian cancer syndrome (HBOC); Breast and ovarian cancer; Hereditary breast and/or ovarian cancer syndrome; BRCA1- and BRCA2-Associated Hereditary Breast and Ovarian Cancer; Hereditary breast and ovarian cancer syndrome. Identifiers: Orphanet 145, MedGen C0677776, MeSH D061325, MONDO:0003582. Disease mechanism: loss of function.

Submissions (2):

National Health Laboratory Service, Universitas Academic Hospital and University of the Free State
Classification: Likely pathogenic for Hereditary breast ovarian cancer syndrome. Last evaluated: 2021-11-16. Review status: criteria provided, single submitter. Criteria: ACMG Guidelines, 2015. Collection method: clinical testing. Allele origin: germline. Affected: yes. Observed: 1 variant allele.

Brotman Baty Institute, University of Washington
No classification provided (evidence only). Condition: Breast-ovarian cancer, familial 1. Review status: no classification provided. Collection method: in vitro. Allele origin: not applicable. Functional consequence: functionally_abnormal. Not counted in ClinVar's aggregate classification.
ClinVar note: "not provided" was previously submitted as the classification for the variant. However, the classification appeared to be based only on an observation of functional data so it was converted to no classification on 2025-07-30.

Literature cited by the submitters: DOI 10.3389/fgene.2022.834265 (cited by National Health Laboratory Service, Universitas Academic Hospital and University of the Free State).